The following is an entry in ClinVar:

ClinVar aggregate classification (germline): Uncertain significance (1 of 4 stars; one submission).

Conditions:
MEGF10-related myopathy (CMYO10A). Also called: Congenital myopathy 10A, severe variant. Identifiers: Orphanet 439212, MedGen C3280679, MONDO:0013731, OMIM 614399.

Submission:

Labcorp Genetics (formerly Invitae), Labcorp
Classification: Uncertain significance for MEGF10-related myopathy. Last evaluated: 2020-12-08. Review status: criteria provided, single submitter. Criteria: Invitae Variant Classification Sherloc (09022015). Collection method: clinical testing. Allele origin: germline.
Comment: This sequence change replaces aspartic acid with glutamic acid at codon 511 of the MEGF10 protein (p.Asp511Glu). The aspartic acid residue is highly conserved and there is a small physicochemical difference between aspartic acid and glutamic acid. This variant is not present in population databases (ExAC no frequency). This variant has not been reported in the literature in individuals with MEGF10-related conditions. Algorithms developed to predict the effect of missense changes on protein structure and function are either unavailable or do not agree on the potential impact of this missense change (SIFT: "Deleterious"; PolyPhen-2: "Benign"; Align-GVGD: "Class C35"). In summary, the available evidence is currently insufficient to determine the role of this variant in disease. Therefore, it has been classified as a Variant of Uncertain Significance.

NM_001256545.2(MEGF10):c.1533C>G (p.Asp511Glu)

Gene: MEGF10 (multiple EGF like domains 10; plus strand). Cytogenetic location: 5q23.2.
Variant type: single nucleotide variant.
Coding change: c.1533C>G on transcript NM_001256545.2 (MANE Select); coding-DNA position 1533, C replaced by G.
Protein change: p.Asp511Glu; replaces aspartic acid 511 with glutamic acid.
Molecular consequence: missense variant.
Genome position (GRCh38, 1-based): chr5:127,420,150, C>G. VCF-style: chr5-127420150-C-G. GRCh37 (hg19) VCF-style: chr5-126755842-C-G.
Other names: c.1533C>G, p.Asp511Glu (NM_001308119.2, NM_001308121.2, NM_032446.3); short protein forms D511E.
Identifiers: ClinVar variation 1491956 (VCV001491956.8), dbSNP rs151266058, ClinGen allele CA360730071.